The following is an entry in ClinVar:

NM_003119.4(SPG7):c.822G>C (p.Leu274=)

Gene: SPG7 (SPG7 matrix AAA peptidase subunit, paraplegin; plus strand). Cytogenetic location: 16q24.3.
Variant type: single nucleotide variant.
Coding change: c.822G>C on transcript NM_003119.4 (MANE Select); coding-DNA position 822, G replaced by C.
Protein change: p.Leu274=; no amino-acid change (leucine 274 retained).
Molecular consequence: synonymous variant.
Genome position (GRCh38, 1-based): chr16:89,529,540, G>C. VCF-style: chr16-89529540-G-C. GRCh37 (hg19) VCF-style: chr16-89595948-G-C.
Other names: p.Leu274=; c.822G>C (NM_003119.2, NM_003119.3); c.822G>C, p.Leu274= (NM_001363850.1, NM_199367.3).
Identifiers: ClinVar variation 1106917 (VCV001106917.19), dbSNP rs148032495, ClinGen allele CA8243796.

ClinVar aggregate classification (germline): Likely benign. Review status: criteria provided, multiple submitters, no conflicts (2 of 4 stars). 6 submissions from 6 submitters: Likely benign (6). Last evaluated 2025-10-03.

Conditions:
SPG7-related disorder. Also called: SPG7-related condition.
Hereditary spastic paraplegia 7 (SPG7). Also called: Spastic paraplegia 7; Hereditary spastic paraplegia Paraplegin type; SPASTIC PARAPLEGIA 7, AUTOSOMAL RECESSIVE, WITH OR WITHOUT CEREBELLAR ATAXIA; Autosomal recessive spastic paraplegia type 7; SPG7-related neurologic disorder. Identifiers: Orphanet 99013, MedGen C1846564, MONDO:0011803, OMIM 607259.

Allele frequency attached by ClinVar (database versions not stated): ESP Exome Variant Server 0.00008; TOPMed 0.00008; ExAC 0.00016; gnomAD 0.00022 and 0.00024; gnomAD exomes 0.00022.
gnomAD v4.1: 222 of 1,613,936 alleles (0.014%); highest among the groups gnomAD compares: Non-Finnish European, 0.01%; no homozygotes.

Submissions (6):

Athena Diagnostics
Classification: Likely benign. Last evaluated: 2025-10-03. Review status: criteria provided, single submitter. Criteria: Athena Diagnostics Criteria. Collection method: clinical testing. Allele origin: unknown.
Comment: Computational tools yielded predictions that this variant is unlikely to have an effect on normal RNA splicing. This nucleotide position exhibits low evolutionary conservation.

Labcorp Genetics (formerly Invitae), Labcorp
Classification: Likely benign for Hereditary spastic paraplegia 7. Last evaluated: 2025-07-22. Review status: criteria provided, single submitter. Criteria: Invitae Variant Classification Sherloc (09022015). Collection method: clinical testing. Allele origin: germline.

Mayo Clinic Laboratories, Mayo Clinic
Classification: Likely benign. Last evaluated: 2025-05-06. Review status: criteria provided, single submitter. Criteria: ACMG Guidelines, 2015. Collection method: clinical testing. Allele origin: germline. Observed: 1 variant allele.
Comment: BP4, BP7

CeGaT Center for Human Genetics Tuebingen
Classification: Likely benign. Last evaluated: 2025-04-01. Review status: criteria provided, single submitter. Criteria: CeGaT Center For Human Genetics Tuebingen Variant Classification Criteria Version 2. Collection method: clinical testing. Allele origin: germline. Affected: yes. Observed: 1 variant allele.
Comment: SPG7: BP4, BP7

PreventionGenetics, part of Exact Sciences
Classification: Likely benign for SPG7-related condition. Last evaluated: 2024-12-06. Review status: criteria provided, single submitter. Criteria: ACMG Guidelines, 2015. Collection method: clinical testing. Allele origin: germline.
Comment: This variant is classified as likely benign based on ACMG/AMP sequence variant interpretation guidelines (Richards et al. 2015 PMID: 25741868, with internal and published modifications).

Blueprint Genetics
Classification: Likely benign. Last evaluated: 2024-11-25. Review status: criteria provided, single submitter. Criteria: ACMG Guidelines, 2015. Collection method: clinical testing. Allele origin: germline.

Literature cited by the submitters: PubMed 16534102 (cited by Athena Diagnostics).